The following is an entry in ClinVar:

NM_021615.5(CHST6):c.*2955C>T

Gene: CHST6 (carbohydrate sulfotransferase 6; minus strand). Cytogenetic location: 16q23.1.
Variant type: single nucleotide variant.
Coding change: c.*2955C>T on transcript NM_021615.5 (MANE Select); 2955 bases downstream of the stop codon, C replaced by T.
Molecular consequence: 3 prime UTR variant.
Genome position (GRCh38, 1-based): chr16:75,475,686, G>A on the plus strand (C>T on the coding strand, the complement: CHST6 is on the minus strand). VCF-style: chr16-75475686-G-A. GRCh37 (hg19) VCF-style: chr16-75509584-G-A.
Identifiers: ClinVar variation 320543 (VCV000320543.5), dbSNP rs76087215, ClinGen allele CA10648078.

ClinVar aggregate classification (germline): Likely benign (1 of 4 stars; one submission).

Conditions:
Macular corneal dystrophy (MCD). Also called: GROENOUW TYPE II CORNEAL DYSTROPHY; Macular corneal dystrophy Type I. Identifiers: Orphanet 98969, MedGen C1636149, MONDO:0009020, OMIM 217800.

Allele frequency attached by ClinVar (database versions not stated): 1000 Genomes Project 0.00419; 1000 Genomes Project 30x 0.00453; gnomAD 0.01037 and 0.01047; TOPMed 0.01042; gnomAD exomes 0.06250.
gnomAD v4.1: 1,583 of 152,330 alleles (1%); highest among the groups gnomAD compares: Middle Eastern, 3.4%; 15 homozygotes.

Submission:

Illumina Laboratory Services, Illumina
Classification: Likely benign for Macular corneal dystrophy. Last evaluated: 2018-01-13. Review status: criteria provided, single submitter. Criteria: ICSL Variant Classification Criteria 13 December 2019. Collection method: clinical testing. Allele origin: germline.
Comment: This variant was observed in the ICSL laboratory as part of a predisposition screen in an ostensibly healthy population. It had not been previously curated by ICSL or reported in the Human Gene Mutation Database (HGMD: prior to June 1st, 2018), and was therefore a candidate for classification through an automated scoring system. Utilizing variant allele frequency, disease prevalence and penetrance estimates, and inheritance mode, an automated score was calculated to assess if this variant is too frequent to cause the disease. Based on the score and internal cut-off values, a variant classified as likely benign is not then subjected to further curation. The score for this variant resulted in a classification of likely benign for this disease.